The following is an entry in ClinVar:

ClinVar aggregate classification (germline): Uncertain significance (1 of 4 stars; one submission).

Conditions:
Autosomal dominant Parkinson disease 8. Also called: LRRK2-Related Parkinson Disease; Parkinson disease 8; Parkinson disease 8, susceptibility to. Identifiers: Orphanet 411602, MedGen C1846862, MONDO:0011764, OMIM 607060.

Allele frequency attached by ClinVar (database versions not stated): TOPMed 0.00002; ExAC 0.00001; gnomAD 0.00001; gnomAD exomes 0.00001.
gnomAD v4.1: 9 of 1,612,724 alleles (0.00056%); highest among the groups gnomAD compares: African/African-American, 0.0027%; no homozygotes.

Submission:

Labcorp Genetics (formerly Invitae), Labcorp
Classification: Uncertain significance for Autosomal dominant Parkinson disease 8. Last evaluated: 2022-06-08. Review status: criteria provided, single submitter. Criteria: Invitae Variant Classification Sherloc (09022015). Collection method: clinical testing. Allele origin: germline.
Comment: In summary, the available evidence is currently insufficient to determine the role of this variant in disease. Therefore, it has been classified as a Variant of Uncertain Significance. Algorithms developed to predict the effect of missense changes on protein structure and function (SIFT, PolyPhen-2, Align-GVGD) all suggest that this variant is likely to be tolerated. This missense change has been observed in individual(s) with Parkinson disease (Invitae). This variant is present in population databases (rs201171722, gnomAD 0.002%). This sequence change replaces methionine, which is neutral and non-polar, with valine, which is neutral and non-polar, at codon 379 of the LRRK2 protein (p.Met379Val).

NM_198578.4(LRRK2):c.1135A>G (p.Met379Val)

Gene: LRRK2 (leucine rich repeat kinase 2; plus strand). Cytogenetic location: 12q12.
Variant type: single nucleotide variant.
Coding change: c.1135A>G on transcript NM_198578.4 (MANE Select); coding-DNA position 1135, A replaced by G.
Protein change: p.Met379Val; replaces methionine 379 with valine.
Molecular consequence: missense variant.
Genome position (GRCh38, 1-based): chr12:40,251,498, A>G. VCF-style: chr12-40251498-A-G. GRCh37 (hg19) VCF-style: chr12-40645300-A-G.
Other names: short protein forms M379V.
Identifiers: ClinVar variation 2057577 (VCV002057577.4), dbSNP rs201171722, ClinGen allele CA6513300.
Genomic context (GRCh38, chr12:40,251,498, plus strand): 5'-AGATTTCTTTTTTCTCCCCTAATCCAGGAGGCCGCATGCTGGGCACTAAATAATCTCCTT[A>G]TGTACCAAAACAGTTTACATGAGAAGATTGGAGATGAAGATGGCCAGTTAGTAGTTTTGA-3'
Protein context (NP_940980.4, residues 369-389): AACWALNNLL[Met379Val]YQNSLHEKIG